The following is an entry in ClinVar:

NM_020631.6(PLEKHG5):c.2489_2490del (p.Phe830fs)

Gene: PLEKHG5 (pleckstrin homology and RhoGEF domain containing G5; minus strand). Cytogenetic location: 1p36.31.
Variant type: Deletion.
Coding change: c.2489_2490del on transcript NM_020631.6 (MANE Select); coding-DNA positions 2489 to 2490, 2 bases deleted (TT; older notation c.2489_2490delTT).
Protein change: p.Phe830fs; shifts the reading frame from phenylalanine 830.
Molecular consequence: frameshift variant.
Genome position (GRCh38, 1-based): chr1:6,468,346-6,468,347, AA deleted on the plus strand (TT on the coding strand, the reverse complement: PLEKHG5 is on the minus strand); deleting any 2 consecutive bases within chr1:6,468,346-6,468,348 gives the same sequence; the c. name uses the placement nearest the transcript's 3' end. VCF-style (leftmost placement, unchanged base first): chr1-6468345-CAA-C. GRCh37 (hg19) VCF-style: chr1-6528405-CAA-C.
Other names: c.2600_2601del, p.Phe867fs (NM_001042663.3, NM_001265592.2); c.2489_2490del, p.Phe830fs (NM_001042664.2, NM_001042665.2, NM_001265594.3 and 1 more transcripts); c.2696_2697del, p.Phe899fs (NM_001265593.2); short protein forms F830fs, F899fs, F867fs.
Identifiers: ClinVar variation 2948081 (VCV002948081.3), dbSNP rs2523115662, ClinGen allele CA2740090573.
Genomic context (GRCh38, chr1:6,468,345, plus strand): 5'-AAGGAACTCGTGGGGACTCTGGGGCCCGAGGCACTAGCTCTGCCATTGGGCCTGGGGCCA[CAA>C]AGTCTTGTAAGGAGGTTGGGGAGAGGGTGCCGTAGGCAGAGTCCATGGAGCAGGAGCGGC-3'

ClinVar aggregate classification (germline): Pathogenic (1 of 4 stars; one submission).

Conditions:
Charcot-Marie-Tooth disease recessive intermediate C. Also called: CHARCOT-MARIE-TOOTH NEUROPATHY, RECESSIVE INTERMEDIATE C. Identifiers: Orphanet 369867, MedGen C3809309, MONDO:0014154, OMIM 615376.
Neuronopathy, distal hereditary motor, autosomal recessive 4. Also called: Autosomal recessive lower motor neuron disease with childhood onset; NEUROPATHY, DISTAL HEREDITARY MOTOR, AUTOSOMAL RECESSIVE 4. Identifiers: Orphanet 206580, MedGen C1970211, MONDO:0012608, OMIM 611067.

Submission:

Labcorp Genetics (formerly Invitae), Labcorp
Classification: Pathogenic for Neuronopathy, distal hereditary motor, autosomal recessive 4; Charcot-Marie-Tooth disease recessive intermediate C. Last evaluated: 2023-05-22. Review status: criteria provided, single submitter. Criteria: Invitae Variant Classification Sherloc (09022015). Collection method: clinical testing. Allele origin: germline.
Comment: This variant has not been reported in the literature in individuals affected with PLEKHG5-related conditions. This variant is not present in population databases (gnomAD no frequency). This sequence change creates a premature translational stop signal (p.Phe830Cysfs*47) in the PLEKHG5 gene. It is expected to result in an absent or disrupted protein product. Loss-of-function variants in PLEKHG5 are known to be pathogenic (PMID: 17564964, 23777631). For these reasons, this variant has been classified as Pathogenic.

Literature cited by the submitters: PubMed 17564964; PubMed 23777631.